The following is an entry in ClinVar:

NM_021922.3(FANCE):c.929C>T (p.Pro310Leu)

Gene: FANCE (FA complementation group E; plus strand). Cytogenetic location: 6p21.31.
Variant type: single nucleotide variant.
Coding change: c.929C>T on transcript NM_021922.3 (MANE Select); coding-DNA position 929, C replaced by T.
Protein change: p.Pro310Leu; replaces proline 310 with leucine.
Molecular consequence: missense variant.
Genome position (GRCh38, 1-based): chr6:35,457,944, C>T. VCF-style: chr6-35457944-C-T. GRCh37 (hg19) VCF-style: chr6-35425721-C-T.
Other names: c.929C>T (NM_021922.2); short protein forms P310L.
Identifiers: ClinVar variation 1007334 (VCV001007334.30), dbSNP rs139600847, ClinGen allele CA3771537.

ClinVar aggregate classification (germline): Uncertain significance. Review status: criteria provided, multiple submitters, no conflicts (2 of 4 stars). 4 submissions from 4 submitters: Uncertain significance (4). Last evaluated 2024-03-25.

Conditions:
Inborn genetic diseases. Identifiers: MedGen C0950123, MeSH D030342.
Fanconi anemia complementation group E (FANCE). Also called: FANCE-Related Fanconi Anemia. Identifiers: Orphanet 84, MedGen C3160739, MONDO:0010953, OMIM 600901.

Allele frequency attached by ClinVar (database versions not stated): TOPMed 0.00005.
gnomAD v4.1: 59 of 1,614,068 alleles (0.0037%); highest among the groups gnomAD compares: African/African-American, 0.0093%; no homozygotes.

Submissions (4):

Fulgent Genetics
Classification: Uncertain significance for Fanconi anemia complementation group E. Last evaluated: 2024-03-25. Review status: criteria provided, single submitter. Criteria: ACMG Guidelines, 2015. Collection method: clinical testing. Allele origin: germline.

CeGaT Center for Human Genetics Tuebingen
Classification: Uncertain significance. Last evaluated: 2023-10-01. Review status: criteria provided, single submitter. Criteria: CeGaT Center For Human Genetics Tuebingen Variant Classification Criteria Version 2. Collection method: clinical testing. Allele origin: germline. Affected: yes. Observed: 1 variant allele.
Comment: FANCE: PM2, BP4

Labcorp Genetics (formerly Invitae), Labcorp
Classification: Uncertain significance for Fanconi anemia complementation group E. Last evaluated: 2022-08-22. Review status: criteria provided, single submitter. Criteria: Invitae Variant Classification Sherloc (09022015). Collection method: clinical testing. Allele origin: germline.
Comment: This sequence change replaces proline, which is neutral and non-polar, with leucine, which is neutral and non-polar, at codon 310 of the FANCE protein (p.Pro310Leu). This variant is present in population databases (rs139600847, gnomAD 0.008%). This variant has not been reported in the literature in individuals affected with FANCE-related conditions. ClinVar contains an entry for this variant (Variation ID: 1007334). Algorithms developed to predict the effect of missense changes on protein structure and function output the following: SIFT: "Tolerated"; PolyPhen-2: "Possibly Damaging"; Align-GVGD: "Class C0". The leucine amino acid residue is found in multiple mammalian species, which suggests that this missense change does not adversely affect protein function. In summary, the available evidence is currently insufficient to determine the role of this variant in disease. Therefore, it has been classified as a Variant of Uncertain Significance.

Ambry Genetics
Classification: Uncertain significance for Inborn genetic diseases. Last evaluated: 2021-06-11. Review status: criteria provided, single submitter. Criteria: Ambry Variant Classification Scheme 2023. Collection method: clinical testing. Allele origin: germline.